The following is an entry in ClinVar:

NM_000057.4(BLM):c.2131_2132del (p.Val711fs)

Gene: BLM (BLM RecQ like helicase; plus strand). Cytogenetic location: 15q26.1.
Variant type: Deletion.
Coding change: c.2131_2132del on transcript NM_000057.4 (MANE Select); coding-DNA positions 2131 to 2132, 2 bases deleted (GT; older notation c.2131_2132delGT).
Protein change: p.Val711fs; shifts the reading frame from valine 711.
Molecular consequence: frameshift variant.
Genome position (GRCh38, 1-based): chr15:90,765,352-90,765,353, GT deleted; deleting any 2 consecutive bases within chr15:90,765,351-90,765,353 gives the same sequence; the c. name uses the placement nearest the transcript's 3' end. VCF-style (leftmost placement, unchanged base first): chr15-90765350-CTG-C. GRCh37 (hg19) VCF-style: chr15-91308580-CTG-C.
Other names: c.2131_2132del, p.Val711fs (NM_001287246.2, NM_001287247.2); c.1006_1007del, p.Val336fs (NM_001287248.2); short protein forms V336fs, V711fs.
Identifiers: ClinVar variation 1359680 (VCV001359680.6), dbSNP rs2151162445, ClinGen allele CA2573151402.
Genomic context (GRCh38, chr15:90,765,350, plus strand): 5'-TTTCAGGAGGTGGTAAGAGTTTGTGTTACCAGCTCCCTGCCTGTGTTTCTCCTGGGGTCA[CTG>C]TTGTCATTTCTCCCTTGAGATCACTTATCGTAGATCAAGTCCAAAAGCTGACTTCCTTGG-3'

ClinVar aggregate classification (germline): Pathogenic (1 of 4 stars; one submission).

Conditions:
Bloom syndrome (BLM). Also called: Bloom-Torre-Machacek syndrome. Identifiers: Orphanet 125, MedGen C0005859, MONDO:0008876, OMIM 210900.

Submission:

Labcorp Genetics (formerly Invitae), Labcorp
Classification: Pathogenic for Bloom syndrome. Last evaluated: 2021-02-16. Review status: criteria provided, single submitter. Criteria: Invitae Variant Classification Sherloc (09022015). Collection method: clinical testing. Allele origin: germline.
Comment: For these reasons, this variant has been classified as Pathogenic. This variant has not been reported in the literature in individuals with BLM-related conditions. This variant is not present in population databases (ExAC no frequency). This sequence change creates a premature translational stop signal (p.Val711Cysfs*29) in the BLM gene. It is expected to result in an absent or disrupted protein product. Loss-of-function variants in BLM are known to be pathogenic (PMID: 17407155).

Literature cited by the submitters: PubMed 17407155.